The following is an entry in ClinVar:

ClinVar aggregate classification (germline): Uncertain significance (1 of 4 stars; one submission).

Allele frequency attached by ClinVar (database versions not stated): ESP Exome Variant Server 0.00008; gnomAD 0.00001; gnomAD exomes below 0.00001; ExAC 0.00001.
gnomAD v4.1: 3 of 1,602,222 alleles (0.00019%); highest among the groups gnomAD compares: African/African-American, 0.004%; no homozygotes.

Submission:

Labcorp Genetics (formerly Invitae), Labcorp
Classification: Uncertain significance. Last evaluated: 2025-06-12. Review status: criteria provided, single submitter. Criteria: Invitae Variant Classification Sherloc (09022015). Collection method: clinical testing. Allele origin: germline.
Comment: This sequence change replaces alanine, which is neutral and non-polar, with valine, which is neutral and non-polar, at codon 2296 of the DCHS1 protein (p.Ala2296Val). This variant is present in population databases (rs372962312, gnomAD 0.007%). This variant has not been reported in the literature in individuals affected with DCHS1-related conditions. ClinVar contains an entry for this variant (Variation ID: 2801214). Invitae Evidence Modeling of protein sequence and biophysical properties (such as structural, functional, and spatial information, amino acid conservation, physicochemical variation, residue mobility, and thermodynamic stability) indicates that this missense variant is not expected to disrupt DCHS1 protein function with a negative predictive value of 80%. In summary, the available evidence is currently insufficient to determine the role of this variant in disease. Therefore, it has been classified as a Variant of Uncertain Significance.

NM_003737.4(DCHS1):c.6887C>T (p.Ala2296Val)

Gene: DCHS1 (dachsous cadherin-related 1; minus strand). Cytogenetic location: 11p15.4.
Variant type: single nucleotide variant.
Coding change: c.6887C>T on transcript NM_003737.4 (MANE Select); coding-DNA position 6887, C replaced by T.
Protein change: p.Ala2296Val; replaces alanine 2296 with valine.
Molecular consequence: missense variant.
Genome position (GRCh38, 1-based): chr11:6,625,457, G>A on the plus strand (C>T on the coding strand, the complement: DCHS1 is on the minus strand). VCF-style: chr11-6625457-G-A. GRCh37 (hg19) VCF-style: chr11-6646688-G-A.
Other names: short protein forms A2296V.
Identifiers: ClinVar variation 2801214 (VCV002801214.3), dbSNP rs372962312, ClinGen allele CA5859735.